The following is an entry in ClinVar:

ClinVar aggregate classification (germline): Benign/Likely benign. Review status: criteria provided, multiple submitters, no conflicts (2 of 4 stars). 3 submissions from 3 submitters: Benign (1); Likely benign (2). Last evaluated 2026-06-01.

Conditions:
DNMT1-related disorder. Also called: DNMT1-related condition. Identifiers: MedGen CN381527.
Hereditary sensory neuropathy-deafness-dementia syndrome. Also called: NEUROPATHY, HEREDITARY SENSORY, WITH HEARING LOSS AND DEMENTIA; Hereditary Sensory and Autonomic Neuropathy Type 1E (HSAN1E); Hereditary sensory neuropathy type IE; HSN IE. Identifiers: Orphanet 456318, MedGen C3279885, MONDO:0013584, OMIM 614116.

Allele frequency attached by ClinVar (database versions not stated): gnomAD 0.00005; gnomAD exomes 0.00005 and 0.00010; ExAC 0.00006; TOPMed 0.00006; ESP Exome Variant Server 0.00008.
gnomAD v4.1: 90 of 1,614,092 alleles (0.0056%); highest among the groups gnomAD compares: South Asian, 0.0077%; 1 homozygote.

Submissions (3):

PreventionGenetics, part of Exact Sciences
Classification: Likely benign for DNMT1-related condition. Last evaluated: 2026-06-01. Review status: criteria provided, single submitter. Criteria: ACMG Guidelines, 2015. Collection method: clinical testing. Allele origin: germline.
Comment: This variant is classified as likely benign based on ACMG/AMP sequence variant interpretation guidelines (Richards et al. 2015 PMID: 25741868, with internal and published modifications).

Labcorp Genetics (formerly Invitae), Labcorp
Classification: Benign for Hereditary sensory neuropathy-deafness-dementia syndrome. Last evaluated: 2025-10-13. Review status: criteria provided, single submitter. Criteria: Invitae Variant Classification Sherloc (09022015). Collection method: clinical testing. Allele origin: germline.

Illumina Laboratory Services, Illumina
Classification: Likely benign for Hereditary sensory neuropathy-deafness-dementia syndrome. Last evaluated: 2018-01-13. Review status: criteria provided, single submitter. Criteria: ICSL Variant Classification Criteria 13 December 2019. Collection method: clinical testing. Allele origin: germline.
Comment: This variant was observed in the ICSL laboratory as part of a predisposition screen in an ostensibly healthy population. It had not been previously curated by ICSL or reported in the Human Gene Mutation Database (HGMD: prior to June 1st, 2018), and was therefore a candidate for classification through an automated scoring system. Utilizing variant allele frequency, disease prevalence and penetrance estimates, and inheritance mode, an automated score was calculated to assess if this variant is too frequent to cause the disease. Based on the score and internal cut-off values, a variant classified as likely benign is not then subjected to further curation. The score for this variant resulted in a classification of likely benign for this disease.

NM_001130823.3(DNMT1):c.1932C>T (p.Phe644=)

Gene: DNMT1 (DNA methyltransferase 1; minus strand). Cytogenetic location: 19p13.2.
Variant type: single nucleotide variant.
Coding change: c.1932C>T on transcript NM_001130823.3 (MANE Select); coding-DNA position 1932, C replaced by T.
Protein change: p.Phe644=; no amino-acid change (phenylalanine 644 retained).
Molecular consequence: synonymous variant.
Genome position (GRCh38, 1-based): chr19:10,154,380, G>A on the plus strand (C>T on the coding strand, the complement: DNMT1 is on the minus strand). VCF-style: chr19-10154380-G-A. GRCh37 (hg19) VCF-style: chr19-10265056-G-A.
Other names: c.1932C>T (LRG_362t1, NM_001130823.2); c.1884C>T, p.Phe628= (NM_001318730.2, NM_001379.4); c.1569C>T, p.Phe523= (NM_001318731.2).
Identifiers: ClinVar variation 327908 (VCV000327908.13), dbSNP rs370444117, ClinGen allele CA9188167.
Genomic context (GRCh38, chr19:10,154,380, plus strand): 5'-AAAGGCGTTCTCCTTGTCTTCTCTGTCATCCTTTTCAATTTGCTCTGCGAAGAAAGTATC[G>A]AAGATCTGGTAGACCAGCTTGGTGGTGGTGGCTTTCGTGGGTCCCCTGTCCTTCTCCCTG-3'
Protein context (NP_001124295.1, residues 634-654): ATTTKLVYQI[Phe644=]DTFFAEQIEK